The following is an entry in ClinVar:

NM_000540.3(RYR1):c.3056G>A (p.Arg1019Gln)

Gene: RYR1 (ryanodine receptor 1; plus strand). Cytogenetic location: 19q13.2.
Variant type: single nucleotide variant.
Coding change: c.3056G>A on transcript NM_000540.3 (MANE Select); coding-DNA position 3056, G replaced by A.
Protein change: p.Arg1019Gln; replaces arginine 1019 with glutamine.
Molecular consequence: missense variant.
Genome position (GRCh38, 1-based): chr19:38,466,276, G>A. VCF-style: chr19-38466276-G-A. GRCh37 (hg19) VCF-style: chr19-38956916-G-A.
Other names: c.3056G>A, p.Arg1019Gln (NM_001042723.2); c.3056G>A (NM_000540.2); short protein forms R1019Q.
Identifiers: ClinVar variation 1356329 (VCV001356329.13), dbSNP rs781550981, ClinGen allele CA064356.

ClinVar aggregate classification (germline): Uncertain significance. Review status: criteria provided, multiple submitters, no conflicts (2 of 4 stars). 6 submissions from 6 submitters: Uncertain significance (6). Last evaluated 2025-07-29.

Conditions:
RYR1-related disorder. Also called: RYR1-related condition; RYR1-related disorders. Identifiers: MedGen CN239331.
Malignant hyperthermia, susceptibility to, 1 (MHS1). Also called: RYR1-Related Malignant Hyperthermia Susceptibility; Malignant hyperthermia suceptibility 1; Anesthesia related hyperthermia; Malignant hyperpyrexia; Fulminating hyperpyrexia; Pharmacogenic myopathy. Identifiers: Orphanet 423, MedGen C2930980, MONDO:0007783, OMIM 145600.
Central core myopathy (CMYO1A). Also called: CONGENITAL MYOPATHY 1A, AUTOSOMAL DOMINANT, WITH SUSCEPTIBILITY TO MALIGNANT HYPERTHERMIA; Central core disease; Myopathy, central fibrillar. Identifiers: Orphanet 597, MedGen C5830701, MONDO:0007294, OMIM 117000.
Congenital multicore myopathy with external ophthalmoplegia (CMYO1B). Also called: Minicore myopathy with external ophthalmoplegia; MULTIMINICORE DISEASE WITH EXTERNAL OPHTHALMOPLEGIA; MULTICORE MYOPATHY; Congenital myopathy 1B, autosomal recessive; Minicore myopathy. Identifiers: Orphanet 598, Orphanet 98905, MedGen C1850674, MONDO:0009712, OMIM 255320, HP:0003789.
Congenital myopathy with fiber type disproportion. Also called: Congenital fiber-type disproportion; Congenital fiber-type disproportion myopathy. Identifiers: Orphanet 2020, MedGen C0546264, MONDO:0009711. Inheritance: all.
King Denborough syndrome (KDS). Identifiers: MedGen C1840365, MONDO:0020485, OMIM 619542.
Inborn genetic diseases. Identifiers: MedGen C0950123, MeSH D030342.

Allele frequency attached by ClinVar (database versions not stated): gnomAD 0.00001; ExAC 0.00002.
gnomAD v4.1: 21 of 1,612,712 alleles (0.0013%); highest among the groups gnomAD compares: East Asian, 0.0022%; no homozygotes.

Submissions (6):

Labcorp Genetics (formerly Invitae), Labcorp
Classification: Uncertain significance for RYR1-related disorder. Last evaluated: 2025-07-29. Review status: criteria provided, single submitter. Criteria: Invitae Variant Classification Sherloc (09022015). Collection method: clinical testing. Allele origin: germline.
Comment: This sequence change replaces arginine, which is basic and polar, with glutamine, which is neutral and polar, at codon 1019 of the RYR1 protein (p.Arg1019Gln). This variant is present in population databases (rs781550981, gnomAD 0.003%). This variant has not been reported in the literature in individuals affected with RYR1-related conditions. ClinVar contains an entry for this variant (Variation ID: 1356329). Invitae Evidence Modeling of protein sequence and biophysical properties (such as structural, functional, and spatial information, amino acid conservation, physicochemical variation, residue mobility, and thermodynamic stability) has been performed for this missense variant. However, the output from this modeling did not meet the statistical confidence thresholds required to predict the impact of this variant on RYR1 protein function. In summary, the available evidence is currently insufficient to determine the role of this variant in disease. Therefore, it has been classified as a Variant of Uncertain Significance.

Ambry Genetics
Classification: Uncertain significance for Inborn genetic diseases. Last evaluated: 2025-06-24. Review status: criteria provided, single submitter. Criteria: Ambry Variant Classification Scheme 2023. Collection method: clinical testing. Allele origin: germline.

Color Diagnostics, LLC DBA Color Health
Classification: Uncertain significance for Malignant hyperthermia, susceptibility to, 1. Last evaluated: 2023-11-29. Review status: criteria provided, single submitter. Criteria: ACMG Guidelines, 2015. Collection method: clinical testing. Allele origin: germline.
Comment: This missense variant replaces arginine with glutamine at codon 1019 of the RYR1 protein. Computational prediction is inconclusive regarding the impact of this variant on protein structure and function. To our knowledge, functional studies have not been reported for this variant. This variant has not been reported in individuals affected with RYR1-related disorders in the literature. This variant has been identified in 5/277642 chromosomes in the general population by the Genome Aggregation Database (gnomAD). The available evidence is insufficient to determine the role of this variant in disease conclusively. Therefore, this variant is classified as a Variant of Uncertain Significance.

GeneDx
Classification: Uncertain significance. Last evaluated: 2023-08-14. Review status: criteria provided, single submitter. Criteria: GeneDx Variant Classification Process June 2021. Collection method: clinical testing. Allele origin: germline. Affected: yes.
Comment: Not observed at significant frequency in large population cohorts (gnomAD); In silico analysis supports that this missense variant has a deleterious effect on protein structure/function; Has not been previously published as pathogenic or benign to our knowledge

Fulgent Genetics
Classification: Uncertain significance for Central core myopathy; Malignant hyperthermia, susceptibility to, 1; Congenital myopathy 4A, autosomal dominant; Congenital multicore myopathy with external ophthalmoplegia; King Denborough syndrome. Last evaluated: 2021-10-19. Review status: criteria provided, single submitter. Criteria: ACMG Guidelines, 2015. Collection method: clinical testing. Allele origin: unknown.

Revvity Omics, Revvity
Classification: Uncertain significance. Last evaluated: 2021-08-09. Review status: criteria provided, single submitter. Criteria: ACMG Guidelines, 2015. Collection method: clinical testing. Allele origin: germline.